The following is an entry in ClinVar:

NM_005257.6(GATA6):c.1618G>C (p.Gly540Arg)

Gene: GATA6 (GATA binding protein 6; plus strand). Cytogenetic location: 18q11.2.
Variant type: single nucleotide variant.
Coding change: c.1618G>C on transcript NM_005257.6 (MANE Select); coding-DNA position 1618, G replaced by C.
Protein change: p.Gly540Arg; replaces glycine 540 with arginine.
Molecular consequence: missense variant.
Genome position (GRCh38, 1-based): chr18:22,183,041, G>C. VCF-style: chr18-22183041-G-C. GRCh37 (hg19) VCF-style: chr18-19763002-G-C.
Other names: short protein forms G540R.
Identifiers: ClinVar variation 2836974 (VCV002836974.3), dbSNP rs1319693692, ClinGen allele CA401802991.

ClinVar aggregate classification (germline): Uncertain significance (1 of 4 stars; one submission).

Conditions:
Atrioventricular septal defect 5 (AVSD5). Identifiers: MedGen C3280939, MONDO:0013769, OMIM 614474.

Submission:

Labcorp Genetics (formerly Invitae), Labcorp
Classification: Uncertain significance for Atrioventricular septal defect 5. Last evaluated: 2023-02-14. Review status: criteria provided, single submitter. Criteria: Invitae Variant Classification Sherloc (09022015). Collection method: clinical testing. Allele origin: germline.
Comment: This sequence change replaces glycine, which is neutral and non-polar, with arginine, which is basic and polar, at codon 540 of the GATA6 protein (p.Gly540Arg). This variant is not present in population databases (gnomAD no frequency). This variant has not been reported in the literature in individuals affected with GATA6-related conditions. Algorithms developed to predict the effect of missense changes on protein structure and function output the following: SIFT: "Tolerated"; PolyPhen-2: "Benign"; Align-GVGD: "Class C0". The arginine amino acid residue is found in multiple mammalian species, which suggests that this missense change does not adversely affect protein function. In summary, the available evidence is currently insufficient to determine the role of this variant in disease. Therefore, it has been classified as a Variant of Uncertain Significance.